The following is an entry in ClinVar:

NM_001868.4(CPA1):c.3G>T (p.Met1Ile)

Gene: CPA1 (carboxypeptidase A1; plus strand). Cytogenetic location: 7q32.2.
Variant type: single nucleotide variant.
Coding change: c.3G>T on transcript NM_001868.4 (MANE Select); coding-DNA position 3, G replaced by T.
Protein change: p.Met1Ile; changes the start codon (methionine 1).
Molecular consequence: missense variant, initiator codon variant.
Genome position (GRCh38, 1-based): chr7:130,380,523, G>T. VCF-style: chr7-130380523-G-T. GRCh37 (hg19) VCF-style: chr7-130020364-G-T.
Other names: short protein forms M1I.
Identifiers: ClinVar variation 2743833 (VCV002743833.3), dbSNP rs1554411016, ClinGen allele CA369278792.
Genomic context (GRCh38, chr7:130,380,523, plus strand): 5'-GGTTTAAAAGCCAGGGGGCCGTCTCGACCTCAGTCTGACCTTCCCTCCCGGCAGCAGCAT[G>T]CGGGGGTTGCTGGTGTTGAGTGTCCTGTTGGGGGCTGTCTTTGGCAAGGAGGACTTTGTG-3'
Protein context (NP_001859.1, residues 1-11): [Met1Ile]RGLLVLSVLL

ClinVar aggregate classification (germline): Uncertain significance (1 of 4 stars; one submission).

Submission:

Labcorp Genetics (formerly Invitae), Labcorp
Classification: Uncertain significance. Last evaluated: 2023-12-03. Review status: criteria provided, single submitter. Criteria: Invitae Variant Classification Sherloc (09022015). Collection method: clinical testing. Allele origin: germline.
Comment: This sequence change affects the initiator methionine of the CPA1 mRNA. The next in-frame methionine is located at codon 89. This variant is not present in population databases (gnomAD no frequency). This variant has not been reported in the literature in individuals affected with CPA1-related conditions. Experimental studies and prediction algorithms are not available or were not evaluated, and the functional significance of this variant is currently unknown. In summary, the available evidence is currently insufficient to determine the role of this variant in disease. Therefore, it has been classified as a Variant of Uncertain Significance.